The following is an entry in ClinVar:

ClinVar aggregate classification (germline): Uncertain significance (1 of 4 stars; one submission).

Submission:

GeneDx
Classification: Uncertain significance. Last evaluated: 2024-08-20. Review status: criteria provided, single submitter. Criteria: GeneDx Variant Classification Process June 2021. Collection method: clinical testing. Allele origin: germline. Affected: yes.
Comment: Not observed at significant frequency in large population cohorts (gnomAD); In silico analysis supports that this missense variant has a deleterious effect on protein structure/function; Has not been previously published as pathogenic or benign to our knowledge

NM_012310.5(KIF4A):c.106C>T (p.Pro36Ser)

Gene: KIF4A (kinesin family member 4A; plus strand). Cytogenetic location: Xq13.1.
Variant type: single nucleotide variant.
Coding change: c.106C>T on transcript NM_012310.5 (MANE Select); coding-DNA position 106, C replaced by T.
Protein change: p.Pro36Ser; replaces proline 36 with serine.
Molecular consequence: missense variant.
Genome position (GRCh38, 1-based): chrX:70,290,564, C>T. VCF-style: chrX-70290564-C-T. GRCh37 (hg19) VCF-style: chrX-69510414-C-T.
Other names: short protein forms P36S.
Identifiers: ClinVar variation 3764459 (VCV003764459.1).
Genomic context (GRCh38, chrX:70,290,564, plus strand): 5'-TGTCGCCCTCTGGTCCCCAAAGAGATTAGCGAGGGCTGCCAGATGTGCCTTTCCTTCGTG[C>T]CCGGAGAGCCTCAGGTGCGTAGCAGAGTCCAGAGCCTGTGTCTGAACAGCTGGGGCCAAA-3'
Protein context (NP_036442.3, residues 26-46): EGCQMCLSFV[Pro36Ser]GEPQVVVGTD